The following is an entry in ClinVar:

NM_000369.5(TSHR):c.733G>A (p.Gly245Ser)

Genes: TSHR-AS1 (TSHR antisense RNA 1; minus strand), TSHR (thyroid stimulating hormone receptor; plus strand). Cytogenetic location: 14q31.1.
Variant type: single nucleotide variant.
Coding change: c.733G>A on transcript NM_000369.5 (MANE Select); coding-DNA position 733, G replaced by A.
Protein change: p.Gly245Ser; replaces glycine 245 with serine.
Molecular consequence: missense variant.
Genome position (GRCh38, 1-based): chr14:81,139,719, G>A. VCF-style: chr14-81139719-G-A. GRCh37 (hg19) VCF-style: chr14-81606063-G-A.
Other names: short protein forms G245S.
Identifiers: ClinVar variation 225506 (VCV000225506.7), dbSNP rs189506473, ClinGen allele CA7294314.

ClinVar aggregate classification (germline): Conflicting classifications of pathogenicity. Review status: criteria provided, conflicting classifications (1 of 4 stars). 4 submissions from 3 submitters: Uncertain significance (3); Benign (1). Last evaluated 2025-07-29.

Conditions:
Familial hyperthyroidism due to mutations in TSH receptor. Also called: TOXIC THYROID HYPERPLASIA, AUTOSOMAL DOMINANT; HYPERTHYROIDISM, CONGENITAL NONAUTOIMMUNE; HYPERTHYROIDISM, NONAUTOIMMUNE, AUTOSOMAL DOMINANT. Identifiers: Orphanet 424, MedGen C1836706, MONDO:0012203, OMIM 609152.
Hypothyroidism due to TSH receptor mutations. Also called: HYPOTHYROIDISM DUE TO UNRESPONSIVENESS TO THYROTROPIN; HYPOTHYROIDISM, CONGENITAL, DUE TO TSH RESISTANCE; HYPOTHYROIDISM, NONAUTOIMMUNE; THYROID-STIMULATING HORMONE, RESISTANCE TO; TSH RESISTANCE; Hypothyroidism, congenital, nongoitrous, 1. Identifiers: Orphanet 90673, MedGen C3493776, MONDO:0010142, OMIM 275200.

Allele frequency attached by ClinVar (database versions not stated): gnomAD 0.00002 and 0.00004; gnomAD exomes 0.00003 and 0.00009; TOPMed 0.00003; ExAC 0.00014; 1000 Genomes Project 0.00040; 1000 Genomes Project 30x 0.00047.
gnomAD v4.1: 54 of 1,614,160 alleles (0.0033%); highest among the groups gnomAD compares: East Asian, 0.11%; no homozygotes.

Submissions (4):

GeneDx
Classification: Uncertain significance. Last evaluated: 2025-07-29. Review status: criteria provided, single submitter. Criteria: GeneDx Variant Classification Process June 2021. Collection method: clinical testing. Allele origin: germline. Affected: yes.
Comment: Identified in the heterozygous state in several individuals with congenital hypothyroidism; however, evidence in support of pathogenicity for this variant was not provided in the reports and many individuals also had variants in other genes associated with congenital hypothyroidism (PMID: 18379122, 21707688, 30022773, 30240412, 32459320, 33653783, 38923290); Published functional studies demonstrate a damaging effect with decreased cAMP production and signaling activity (PMID: 38433572); In silico analysis supports that this missense variant has a deleterious effect on protein structure/function; This variant is associated with the following publications: (PMID: 17953807, 21714469, 18379122, 30022773, 30240412, 21707688, 20083154, 34426522, 38433572, 32459320, 34919466, 34377013, 33653783, 36387164, 35768433, 34456971, 38105685, 38923290)

Illumina Laboratory Services, Illumina
Classification: Uncertain significance for Hypothyroidism due to TSH receptor mutations. Last evaluated: 2017-05-02. Review status: criteria provided, single submitter. Criteria: ICSL Variant Classification Criteria 13 December 2019. Collection method: clinical testing. Allele origin: germline.
Comment: This variant was observed as part of a predisposition screen in an ostensibly healthy population. A literature search was performed for the gene, cDNA change, and amino acid change (where applicable). Publications were found based on this search. However, the evidence from the literature, in combination with allele frequency data from public databases where available, was not sufficient to rule this variant in or out of causing disease. Therefore, this variant is classified as a variant of unknown significance.

Illumina Laboratory Services, Illumina
Classification: Benign for Familial hyperthyroidism due to mutations in TSH receptor. Last evaluated: 2017-05-02. Review status: criteria provided, single submitter. Criteria: ICSL Variant Classification Criteria 13 December 2019. Collection method: clinical testing. Allele origin: germline.
Comment: This variant was observed as part of a predisposition screen in an ostensibly healthy population. A literature search was performed for the gene, cDNA change, and amino acid change (where applicable). No publications were found based on this search. Allele frequency data from public databases was too high to be consistent with this variant causing disease. Therefore, this variant is classified as benign.

Soonchunhyang University Bucheon Hospital, Soonchunhyang University Medical Center
Classification: Uncertain significance for Hypothyroidism due to TSH receptor mutations. Last evaluated: 2016-03-18. Review status: criteria provided, single submitter. Criteria: ACMG Guidelines, 2015. Collection method: reference population. Allele origin: germline. Observed: 1 variant allele.

Literature cited by the submitters: PubMed 21707688 (cited by Illumina Laboratory Services, Illumina); PubMed 18379122 (cited by Illumina Laboratory Services, Illumina and Soonchunhyang University Bucheon Hospital, Soonchunhyang University Medical Center); PubMed 17953807 (cited by Illumina Laboratory Services, Illumina and Soonchunhyang University Bucheon Hospital, Soonchunhyang University Medical Center).